The following is an entry in ClinVar:

NM_001291303.3(FAT4):c.14708G>C (p.Gly4903Ala)

Gene: FAT4 (FAT atypical cadherin 4; plus strand). Cytogenetic location: 4q28.1.
Variant type: single nucleotide variant.
Coding change: c.14708G>C on transcript NM_001291303.3 (MANE Select); coding-DNA position 14708, G replaced by C.
Protein change: p.Gly4903Ala; replaces glycine 4903 with alanine.
Molecular consequence: missense variant.
Genome position (GRCh38, 1-based): chr4:125,491,524, G>C. VCF-style: chr4-125491524-G-C. GRCh37 (hg19) VCF-style: chr4-126412679-G-C.
Other names: c.14705G>C, p.Gly4902Ala (NM_001291285.3); c.14702G>C, p.Gly4901Ala (NM_024582.6); c.14702G>C (NM_024582.4); short protein forms G4902A, G4903A, G4901A.
Identifiers: ClinVar variation 1979966 (VCV001979966.7), dbSNP rs549460745, ClinGen allele CA3074612.

ClinVar aggregate classification (germline): Uncertain significance. Review status: criteria provided, multiple submitters, no conflicts (2 of 4 stars). 2 submissions from 2 submitters: Uncertain significance (2). Last evaluated 2025-10-28.

Conditions:
Inborn genetic diseases. Identifiers: MedGen C0950123, MeSH D030342.

Allele frequency attached by ClinVar (database versions not stated): gnomAD 0.00001; gnomAD exomes 0.00002; ExAC 0.00003; 1000 Genomes Project 30x 0.00016; 1000 Genomes Project 0.00020.
gnomAD v4.1: 12 of 1,614,186 alleles (0.00074%); highest among the groups gnomAD compares: East Asian, 0.025%; no homozygotes.

Submissions (2):

Ambry Genetics
Classification: Uncertain significance for Inborn genetic diseases. Last evaluated: 2025-10-28. Review status: criteria provided, single submitter. Criteria: Ambry Variant Classification Scheme 2023. Collection method: clinical testing. Allele origin: germline.

Labcorp Genetics (formerly Invitae), Labcorp
Classification: Uncertain significance. Last evaluated: 2021-11-24. Review status: criteria provided, single submitter. Criteria: Invitae Variant Classification Sherloc (09022015). Collection method: clinical testing. Allele origin: germline.
Comment: In summary, the available evidence is currently insufficient to determine the role of this variant in disease. Therefore, it has been classified as a Variant of Uncertain Significance. Advanced modeling of protein sequence and biophysical properties (such as structural, functional, and spatial information, amino acid conservation, physicochemical variation, residue mobility, and thermodynamic stability) performed at Invitae indicates that this missense variant is not expected to disrupt FAT4 protein function. This variant has not been reported in the literature in individuals affected with FAT4-related conditions. This variant is present in population databases (rs549460745, gnomAD 0.06%). This sequence change replaces glycine, which is neutral and non-polar, with alanine, which is neutral and non-polar, at codon 4901 of the FAT4 protein (p.Gly4901Ala).